The following is an entry in ClinVar:

NM_005732.4(RAD50):c.3886T>C (p.Cys1296Arg)

Genes: TH2LCRR (T helper type 2 locus control region associated RNA; minus strand), RAD50 (RAD50 double strand break repair protein; plus strand). Cytogenetic location: 5q31.1.
Variant type: single nucleotide variant.
Coding change: c.3886T>C on transcript NM_005732.4 (MANE Select); coding-DNA position 3886, T replaced by C.
Protein change: p.Cys1296Arg; replaces cysteine 1296 with arginine.
Molecular consequence: missense variant.
Genome position (GRCh38, 1-based): chr5:132,642,311, T>C. VCF-style: chr5-132642311-T-C. GRCh37 (hg19) VCF-style: chr5-131978003-T-C.
Other names: short protein forms C1296R.
Identifiers: ClinVar variation 2776398 (VCV002776398.3), dbSNP rs1223441991, ClinGen allele CA360937235.

ClinVar aggregate classification (germline): Uncertain significance (1 of 4 stars; one submission).

Conditions:
Hereditary cancer-predisposing syndrome. Also called: Neoplastic Syndromes, Hereditary; Tumor predisposition; Hereditary Cancer Syndrome; Hereditary neoplastic syndrome. Identifiers: Orphanet 140162, MedGen C0027672, MeSH D009386, MONDO:0015356.

Submission:

Labcorp Genetics (formerly Invitae), Labcorp
Classification: Uncertain significance for Hereditary cancer-predisposing syndrome. Last evaluated: 2023-02-10. Review status: criteria provided, single submitter. Criteria: Invitae Variant Classification Sherloc (09022015). Collection method: clinical testing. Allele origin: germline.
Comment: This sequence change replaces cysteine, which is neutral and slightly polar, with arginine, which is basic and polar, at codon 1296 of the RAD50 protein (p.Cys1296Arg). This variant is not present in population databases (gnomAD no frequency). This variant has not been reported in the literature in individuals affected with RAD50-related conditions. Advanced modeling of protein sequence and biophysical properties (such as structural, functional, and spatial information, amino acid conservation, physicochemical variation, residue mobility, and thermodynamic stability) performed at Invitae indicates that this missense variant is not expected to disrupt RAD50 protein function. In summary, the available evidence is currently insufficient to determine the role of this variant in disease. Therefore, it has been classified as a Variant of Uncertain Significance.